The following is an entry in ClinVar:

ClinVar aggregate classification (germline): Uncertain significance (1 of 4 stars; one submission).

Conditions:
Nephronophthisis. Also called: Juvenile Nephronophthisis. Identifiers: Orphanet 655, MedGen C0687120, MONDO:0019005, HP:0000090.

Allele frequency attached by ClinVar (database versions not stated): TOPMed below 0.00001.

Submission:

Labcorp Genetics (formerly Invitae), Labcorp
Classification: Uncertain significance for Nephronophthisis. Last evaluated: 2022-06-20. Review status: criteria provided, single submitter. Criteria: Invitae Variant Classification Sherloc (09022015). Collection method: clinical testing. Allele origin: germline.
Comment: In summary, the available evidence is currently insufficient to determine the role of this variant in disease. Therefore, it has been classified as a Variant of Uncertain Significance. Algorithms developed to predict the effect of missense changes on protein structure and function are either unavailable or do not agree on the potential impact of this missense change (SIFT: "Deleterious"; PolyPhen-2: "Possibly Damaging"; Align-GVGD: "Class C0"). ClinVar contains an entry for this variant (Variation ID: 841713). This variant has not been reported in the literature in individuals affected with NPHP3-related conditions. This variant is not present in population databases (gnomAD no frequency). This sequence change replaces aspartic acid, which is acidic and polar, with asparagine, which is neutral and polar, at codon 209 of the NPHP3 protein (p.Asp209Asn).

NM_153240.5(NPHP3):c.625G>A (p.Asp209Asn)

Genes: NPHP3 (nephrocystin 3; minus strand), NPHP3-ACAD11 (NPHP3-ACAD11 readthrough (NMD candidate); minus strand). Cytogenetic location: 3q22.1.
Variant type: single nucleotide variant.
Coding change: c.625G>A on transcript NM_153240.5 (MANE Select); coding-DNA position 625, G replaced by A.
Protein change: p.Asp209Asn; replaces aspartic acid 209 with asparagine.
Molecular consequence: missense variant. On other transcripts: non-coding transcript variant (1).
Genome position (GRCh38, 1-based): chr3:132,719,039, C>T on the plus strand (G>A on the coding strand, the complement: NPHP3 is on the minus strand). VCF-style: chr3-132719039-C-T. GRCh37 (hg19) VCF-style: chr3-132437883-C-T.
Other names: short protein forms D209N.
Identifiers: ClinVar variation 841713 (VCV000841713.9), dbSNP rs1940132320, ClinGen allele CA354586977.